The following is an entry in ClinVar:

ClinVar aggregate classification (germline): Benign. Review status: criteria provided, multiple submitters, no conflicts (2 of 4 stars). 2 submissions from 2 submitters: Benign (2). Last evaluated 2018-01-13.

Conditions:
Hereditary spastic paraplegia 35. Also called: Spastic paraplegia 35; SPASTIC PARAPLEGIA 35, AUTOSOMAL RECESSIVE, WITH OR WITHOUT NEURODEGENERATION; LEUKODYSTROPHY, DYSMYELINATING, AND SPASTIC PARAPARESIS WITH OR WITHOUT DYSTONIA; Spastic paraplegia 35, autosomal recessive. Identifiers: Orphanet 171629, MedGen C3496228, MONDO:0012866, OMIM 612319.

Allele frequency attached by ClinVar (database versions not stated): 1000 Genomes Project 0.23782; 1000 Genomes Project 30x 0.24110; TOPMed 0.30504; gnomAD exomes 0.34375.
gnomAD v4.1: 46,339 of 152,322 alleles (30%); highest among the groups gnomAD compares: Non-Finnish European, 36%; 7,666 homozygotes.

Submissions (2):

Illumina Laboratory Services, Illumina
Classification: Benign for Hereditary spastic paraplegia 35. Last evaluated: 2018-01-13. Review status: criteria provided, single submitter. Criteria: ICSL Variant Classification Criteria 13 December 2019. Collection method: clinical testing. Allele origin: germline.
Comment: This variant was observed in the ICSL laboratory as part of a predisposition screen in an ostensibly healthy population. It had not been previously curated by ICSL or reported in the Human Gene Mutation Database (HGMD: prior to June 1st, 2018), and was therefore a candidate for classification through an automated scoring system. Utilizing variant allele frequency, disease prevalence and penetrance estimates, and inheritance mode, an automated score was calculated to assess if this variant is too frequent to cause the disease. Based on the score and internal cut-off values, a variant classified as benign is not then subjected to further curation. The score for this variant resulted in a classification of benign for this disease.

Breakthrough Genomics
Classification: Benign. Review status: criteria provided, single submitter. Criteria: ACMG Guidelines, 2015. Collection method: not provided. Allele origin: germline. Inheritance: Autosomal recessive inheritance. Affected: yes.

NM_024306.5(FA2H):c.*637G>C

Gene: FA2H (fatty acid 2-hydroxylase; minus strand). Cytogenetic location: 16q23.1.
Variant type: single nucleotide variant.
Coding change: c.*637G>C on transcript NM_024306.5 (MANE Select); 637 bases downstream of the stop codon, G replaced by C.
Molecular consequence: 3 prime UTR variant.
Genome position (GRCh38, 1-based): chr16:74,713,553, C>G on the plus strand (G>C on the coding strand, the complement: FA2H is on the minus strand). VCF-style: chr16-74713553-C-G. GRCh37 (hg19) VCF-style: chr16-74747451-C-G.
Identifiers: ClinVar variation 320477 (VCV000320477.6), dbSNP rs56033857, ClinGen allele CA10648052.